The following is an entry in ClinVar:

ClinVar aggregate classification (germline): Conflicting classifications of pathogenicity. Review status: criteria provided, conflicting classifications (1 of 4 stars). 2 submissions from 2 submitters: Uncertain significance (1); Likely benign (1). Last evaluated 2026-08-06.

Allele frequency attached by ClinVar (database versions not stated): 1000 Genomes Project 30x 0.00031; 1000 Genomes Project 0.00040; ExAC 0.00051; TOPMed 0.00058; gnomAD 0.00063; ESP Exome Variant Server 0.00078.
gnomAD v4.1: 1,125 of 1,612,722 alleles (0.07%); highest among the groups gnomAD compares: Non-Finnish European, 0.086%; no homozygotes.

Submissions (2):

GeneDx
Classification: Uncertain significance. Last evaluated: 2026-08-06. Review status: criteria provided, single submitter. Criteria: GeneDx Variant Classification Process June 2021. Collection method: clinical testing. Allele origin: germline.
Comment: In silico analysis supports that this missense variant has a deleterious effect on protein structure/function; Has not been previously published as pathogenic or benign to our knowledge

Blueprint Genetics
Classification: Likely benign. Last evaluated: 2024-11-23. Review status: criteria provided, single submitter. Criteria: ACMG Guidelines, 2015. Collection method: clinical testing. Allele origin: germline.

NM_001606.5(ABCA2):c.2323G>A (p.Gly775Ser)

Gene: ABCA2 (ATP binding cassette subfamily A member 2; minus strand). Cytogenetic location: 9q34.3.
Variant type: single nucleotide variant.
Coding change: c.2323G>A on transcript NM_001606.5 (MANE Select); coding-DNA position 2323, G replaced by A.
Protein change: p.Gly775Ser; replaces glycine 775 with serine.
Molecular consequence: missense variant.
Genome position (GRCh38, 1-based): chr9:137,017,581, C>T on the plus strand (G>A on the coding strand, the complement: ABCA2 is on the minus strand). VCF-style: chr9-137017581-C-T. GRCh37 (hg19) VCF-style: chr9-139912033-C-T.
Other names: c.2320G>A, p.Gly774Ser (NM_001411042.1); c.2413G>A, p.Gly805Ser (NM_212533.3); short protein forms G774S, G775S, G805S.
Identifiers: ClinVar variation 2507051 (VCV002507051.6), dbSNP rs186256069, ClinGen allele CA5355131.